The following is an entry in ClinVar:

ClinVar aggregate classification (germline): Conflicting classifications of pathogenicity. Review status: criteria provided, conflicting classifications (1 of 4 stars). 2 submissions from 2 submitters: Likely pathogenic (1); Uncertain significance (1). Last evaluated 2026-01-02.

Conditions:
CFTR-related disorder (CFTR-RD). Also called: CFTR-related condition; CFTR-related disorders. Identifiers: MedGen C5924204, MONDO:7770004.
Cystic fibrosis (CF). Also called: MUCOVISCIDOSIS. Identifiers: Orphanet 586, MedGen C0010674, MONDO:0009061, OMIM 219700. Disease mechanism: loss of function.

gnomAD v4.1: 1 of 1,601,546 alleles (0.000062%); highest among the groups gnomAD compares: Non-Finnish European, 0.000085%; no homozygotes.

Submissions (2):

Natera, Inc.
Classification: Likely pathogenic for CFTR-related disorders. Last evaluated: 2026-01-02. Review status: criteria provided, single submitter. Criteria: Natera Variant Classification Schema (03/2026). Collection method: clinical testing. Allele origin: germline.
Comment: The c.1759T>A variant in CFTR is a missense variant predicted to cause substitution of phenylalanine to isoleucine at amino acid 587. This variant is rare in the general population with a frequency below the threshold expected for the associated phenotype(s). This variant has been observed in one or more individuals affected with the associated recessive disease, as either homozygous or compound heterozygous with a second variant (PMID: 26911355, 23791427). Functional studies show that this variant may disrupt protein function (PMID: 38388235). Given the available evidence, this variant is classified as Likely Pathogenic.

Ambry Genetics
Classification: Uncertain significance for Cystic fibrosis. Last evaluated: 2019-05-02. Review status: criteria provided, single submitter. Criteria: Ambry Variant Classification Scheme 2023. Collection method: clinical testing. Allele origin: germline.
Comment: The p.F587I variant (also known as c.1759T>A), located in coding exon 13 of the CFTR gene, results from a T to A substitution at nucleotide position 1759. The phenylalanine at codon 587 is replaced by isoleucine, an amino acid with highly similar properties. This variant was identified in a pancreatic sufficient individual with cystic fibrosis in conjunction with p.F508del; however, the phase was not confirmed (Jabr S et al. Prostaglandins Leukot. Essent. Fatty Acids, 2013 Aug;89:121-6). This amino acid position is highly conserved in available vertebrate species. In addition, this alteration is predicted to be deleterious by in silico analysis. Based on available evidence to date, the clinical significance of this alteration remains unclear.

Literature cited by the submitters: PubMed 26911355 (cited by Natera, Inc. and Ambry Genetics); PubMed 23791427 (cited by Natera, Inc. and Ambry Genetics); PubMed 38388235 (cited by Natera, Inc.).

NM_000492.4(CFTR):c.1759T>A (p.Phe587Ile)

Gene: CFTR (CF transmembrane conductance regulator; plus strand). Cytogenetic location: 7q31.2.
Variant type: single nucleotide variant.
Coding change: c.1759T>A on transcript NM_000492.4 (MANE Select); coding-DNA position 1759, T replaced by A.
Protein change: p.Phe587Ile; replaces phenylalanine 587 with isoleucine.
Molecular consequence: missense variant.
Genome position (GRCh38, 1-based): chr7:117,590,432, T>A. VCF-style: chr7-117590432-T-A. GRCh37 (hg19) VCF-style: chr7-117230486-T-A.
Other names: short protein forms F587I.
Identifiers: ClinVar variation 1779538 (VCV001779538.3), dbSNP rs767349773, ClinGen allele CA4451075.